The following is an entry in ClinVar:

NM_017934.7(PHIP):c.2702A>C (p.Lys901Thr)

Gene: PHIP (PHIP subunit of CUL4-Ring ligase complex; minus strand). Cytogenetic location: 6q14.1.
Variant type: single nucleotide variant.
Coding change: c.2702A>C on transcript NM_017934.7 (MANE Select); coding-DNA position 2702, A replaced by C.
Protein change: p.Lys901Thr; replaces lysine 901 with threonine.
Molecular consequence: missense variant.
Genome position (GRCh38, 1-based): chr6:78,982,953, T>G on the plus strand (A>C on the coding strand, the complement: PHIP is on the minus strand). VCF-style: chr6-78982953-T-G. GRCh37 (hg19) VCF-style: chr6-79692670-T-G.
Other names: short protein forms K901T.
Identifiers: ClinVar variation 1718947 (VCV001718947.5), dbSNP rs1768636039, ClinGen allele CA364649568.
Genomic context (GRCh38, chr6:78,982,953, plus strand): 5'-TTTCTTTCTTTGGGCTTCTTTTTCTTTGGTGATATTGGTCCATCTTTTTCTTCATTTACT[T>G]TTTTCTTTTCCTTTTTAATCTGTTTTTGCTTCTGTTTTTCAGATTCTTCTTCTTCATCTG-3'
Protein context (NP_060404.4, residues 891-911): KQKQIKKEKK[Lys901Thr]VNEEKDGPIS

ClinVar aggregate classification (germline): Uncertain significance (1 of 4 stars; one submission).

Submission:

Labcorp Genetics (formerly Invitae), Labcorp
Classification: Uncertain significance. Last evaluated: 2022-09-06. Review status: criteria provided, single submitter. Criteria: Invitae Variant Classification Sherloc (09022015). Collection method: clinical testing. Allele origin: germline.
Comment: In summary, the available evidence is currently insufficient to determine the role of this variant in disease. Therefore, it has been classified as a Variant of Uncertain Significance. Experimental studies and prediction algorithms are not available or were not evaluated, and the functional significance of this variant is currently unknown. This variant has not been reported in the literature in individuals affected with PHIP-related conditions. This variant is not present in population databases (gnomAD no frequency). This sequence change replaces lysine, which is basic and polar, with threonine, which is neutral and polar, at codon 901 of the PHIP protein (p.Lys901Thr).